The following is an entry in ClinVar:

ClinVar aggregate classification (germline): Conflicting classifications of pathogenicity. Review status: criteria provided, conflicting classifications (1 of 4 stars). 3 submissions from 3 submitters: Uncertain significance (1); Likely benign (2). Last evaluated 2025-07-06.

Conditions:
Hereditary cancer-predisposing syndrome. Also called: Tumor predisposition; Neoplastic Syndromes, Hereditary; Hereditary Cancer Syndrome; Hereditary neoplastic syndrome. Identifiers: Orphanet 140162, MedGen C0027672, MeSH D009386, MONDO:0015356.

Submissions (3):

Labcorp Genetics (formerly Invitae), Labcorp
Classification: Likely benign. Last evaluated: 2025-07-06. Review status: criteria provided, single submitter. Criteria: Invitae Variant Classification Sherloc (09022015). Collection method: clinical testing. Allele origin: germline.

Ambry Genetics
Classification: Likely benign for Hereditary cancer-predisposing syndrome. Last evaluated: 2021-06-15. Review status: criteria provided, single submitter. Criteria: Ambry Variant Classification Scheme 2023. Collection method: clinical testing. Allele origin: germline.

GeneDx
Classification: Uncertain significance. Last evaluated: 2019-07-09. Review status: criteria provided, single submitter. Criteria: GeneDx Variant Classification Process June 2021. Collection method: clinical testing. Allele origin: germline. Affected: yes.
Comment: Not observed in large population cohorts (Lek et al., 2016); Has not been previously published as pathogenic or benign to our knowledge; In silico analysis, which includes splice predictors and evolutionary conservation, suggests this variant may impact gene splicing. In the absence of RNA/functional studies, the actual effect of this sequence change is unknown.

NM_002528.7(NTHL1):c.384G>C (p.Leu128=)

Gene: NTHL1 (nth like DNA glycosylase 1; minus strand). Cytogenetic location: 16p13.3.
Variant type: single nucleotide variant.
Coding change: c.384G>C on transcript NM_002528.7 (MANE Select); coding-DNA position 384, G replaced by C.
Protein change: p.Leu128=; no amino-acid change (leucine 128 retained).
Molecular consequence: synonymous variant. On other transcripts: intron variant (1).
Genome position (GRCh38, 1-based): chr16:2,044,771, C>G on the plus strand (G>C on the coding strand, the complement: NTHL1 is on the minus strand). VCF-style: chr16-2044771-C-G. GRCh37 (hg19) VCF-style: chr16-2094772-C-G.
Other names: c.54G>C, p.Leu18= (NM_001318194.2); c.355-1045G>C (NM_001318193.2).
Identifiers: ClinVar variation 1307035 (VCV001307035.13), dbSNP rs755185485, ClinGen allele CA492953001.
Genomic context (GRCh38, chr16:2,044,771, plus strand): 5'-CGCCCGCAGTCGCTGCATGGCGCCCGCCGTCACCTGGTCTTTGGTTTGGCTGGAGAGCAT[C>G]AGTGACAGCAGCACCTGGTACCTGCGTACCTGCTTGTGCAGTGACAGGGACCGGGGTGGC-3'
Protein context (NP_002519.2, residues 118-138): KVRRYQVLLS[Leu128=]MLSSQTKDQV